The following is an entry in ClinVar:

ClinVar aggregate classification (germline): Uncertain significance (1 of 4 stars; one submission).

Submission:

GeneDx
Classification: Uncertain significance. Last evaluated: 2023-12-12. Review status: criteria provided, single submitter. Criteria: GeneDx Variant Classification Process June 2021. Collection method: clinical testing. Allele origin: germline. Affected: yes.
Comment: Not observed at significant frequency in large population cohorts (gnomAD); In-frame deletion of one amino acid in a non-repeat region; In silico analysis supports that this variant does not alter protein structure/function; Has not been previously published as pathogenic or benign to our knowledge

NM_015015.3(KDM4B):c.1226AGG[2] (p.Glu411del)

Gene: KDM4B (lysine demethylase 4B; plus strand). Cytogenetic location: 19p13.3.
Variant type: Microsatellite.
Coding change: c.1226AGG[2] on transcript NM_015015.3 (MANE Select); two copies in a row of the 3-base unit AGG starting at c.1226; the reference has three copies in a row; one copy, 3 bases deleted.
Protein change: p.Glu411del; deletes glutamic acid 411.
Molecular consequence: inframe deletion.
Genome position (GRCh38, 1-based): chr19:5,119,769-5,119,771, AGG deleted; deleting any 3 consecutive bases within chr19:5,119,763-5,119,771 gives the same sequence; the position shown is the placement nearest the transcript's 3' end. VCF-style (leftmost placement, unchanged base first): chr19-5119762-AAGG-A. GRCh37 (hg19) VCF-style: chr19-5119773-AAGG-A.
Other names: c.1328AGG[2], p.Glu445del (NM_001411148.1); short protein forms E411del, E445del.
Identifiers: ClinVar variation 3252278 (VCV003252278.1), dbSNP rs2512571729.
Genomic context (GRCh38, chr19:5,119,762, plus strand): 5'-AAGTTCCCTGGGGAGGGTACGGCTGGGGCAGCGCTCCTAGAGGAGGCTGGGGGCAGCGTG[AAGG>A]AGGAGGCTGGGCCGGAGGTTGACCCCGAGGAGGAGGAGGAGGAGCCGCAGCCACTGCCAC-3'